The following is an entry in ClinVar:

NM_001379500.1(COL18A1):c.524C>T (p.Ala175Val)

Gene: COL18A1 (collagen type XVIII alpha 1 chain; plus strand). Cytogenetic location: 21q22.3.
Variant type: single nucleotide variant.
Coding change: c.524C>T on transcript NM_001379500.1 (MANE Select); coding-DNA position 524, C replaced by T.
Protein change: p.Ala175Val; replaces alanine 175 with valine.
Molecular consequence: missense variant.
Genome position (GRCh38, 1-based): chr21:45,468,659, C>T. VCF-style: chr21-45468659-C-T. GRCh37 (hg19) VCF-style: chr21-46888573-C-T.
Other names: c.1064C>T, p.Ala355Val (NM_030582.4); c.1769C>T, p.Ala590Val (NM_130444.3); short protein forms A590V, A175V, A355V.
Identifiers: ClinVar variation 1352852 (VCV001352852.6), dbSNP rs2145891042, ClinGen allele CA410512220.

ClinVar aggregate classification (germline): Uncertain significance (1 of 4 stars; one submission).

Submission:

Labcorp Genetics (formerly Invitae), Labcorp
Classification: Uncertain significance. Last evaluated: 2021-11-22. Review status: criteria provided, single submitter. Criteria: Invitae Variant Classification Sherloc (09022015). Collection method: clinical testing. Allele origin: germline.
Comment: In summary, the available evidence is currently insufficient to determine the role of this variant in disease. Therefore, it has been classified as a Variant of Uncertain Significance. Experimental studies and prediction algorithms are not available or were not evaluated, and the functional significance of this variant is currently unknown. This variant has not been reported in the literature in individuals affected with COL18A1-related conditions. This variant is not present in population databases (gnomAD no frequency). This sequence change replaces alanine, which is neutral and non-polar, with valine, which is neutral and non-polar, at codon 175 of the COL18A1 protein (p.Ala175Val).